The following is an entry in ClinVar:

ClinVar aggregate classification (germline): Likely benign (1 of 4 stars; one submission).

Submission:

CeGaT Center for Human Genetics Tuebingen
Classification: Likely benign. Last evaluated: 2026-03-01. Review status: criteria provided, single submitter. Criteria: CeGaT Center For Human Genetics Tuebingen Variant Classification Criteria Version 2. Collection method: clinical testing. Allele origin: germline. Affected: yes. Observed: 6 variant alleles.
Comment: VPS33A: PM2:Supporting, BP4, BP7

NM_022916.6(VPS33A):c.484-2379T>C

Gene: VPS33A (VPS33A core subunit of CORVET and HOPS complexes; minus strand). Cytogenetic location: 12q24.31.
Variant type: single nucleotide variant.
Coding change: c.484-2379T>C on transcript NM_022916.6 (MANE Select); 2379 bases into the intron before coding-DNA position 484, T replaced by C.
Molecular consequence: intron variant. On other transcripts: synonymous variant (1).
Genome position (GRCh38, 1-based): chr12:122,253,478, A>G on the plus strand (T>C on the coding strand, the complement: VPS33A is on the minus strand). VCF-style: chr12-122253478-A-G. GRCh37 (hg19) VCF-style: chr12-122738025-A-G.
Other names: c.549T>C, p.Pro183= (NM_001351021.2); c.484-2379T>C (NM_001351020.2); c.451-2379T>C (NM_001351018.2); c.436-2379T>C (NM_001351019.2).
Identifiers: ClinVar variation 3250765 (VCV003250765.18), dbSNP rs2547172283.